The following is an entry in ClinVar:

NM_003791.4(MBTPS1):c.2413_2414del (p.Gln805fs)

Gene: MBTPS1 (membrane bound transcription factor peptidase, site 1; minus strand). Cytogenetic location: 16q23.3.
Variant type: Microsatellite.
Coding change: c.2413_2414del on transcript NM_003791.4 (MANE Select); coding-DNA positions 2413 to 2414, 2 bases deleted (CA; older notation c.2413_2414delCA).
Protein change: p.Gln805fs; shifts the reading frame from glutamine 805.
Molecular consequence: frameshift variant.
Genome position (GRCh38, 1-based): chr16:84,065,707-84,065,708, TG deleted on the plus strand (CA on the coding strand, the reverse complement: MBTPS1 is on the minus strand); deleting any 2 consecutive bases within chr16:84,065,707-84,065,711 gives the same sequence; the c. name uses the placement nearest the transcript's 3' end. VCF-style (leftmost placement, unchanged base first): chr16-84065706-CTG-C. GRCh37 (hg19) VCF-style: chr16-84099311-CTG-C.
Other names: short protein forms Q805fs.
Identifiers: ClinVar variation 4728103 (VCV004728103.1).

ClinVar aggregate classification (germline): Pathogenic (1 of 4 stars; one submission).

Submission:

Labcorp Genetics (formerly Invitae), Labcorp
Classification: Pathogenic. Last evaluated: 2025-10-02. Review status: criteria provided, single submitter. Criteria: Invitae Variant Classification Sherloc (09022015). Collection method: clinical testing. Allele origin: germline.
Comment: This sequence change creates a premature translational stop signal (p.Gln805Aspfs*18) in the MBTPS1 gene. It is expected to result in an absent or disrupted protein product. Loss-of-function variants in MBTPS1 are known to be pathogenic (PMID: 30046013). This variant is not present in population databases (gnomAD no frequency). This variant has not been reported in the literature in individuals affected with MBTPS1-related conditions. For these reasons, this variant has been classified as Pathogenic.

Literature cited by the submitters: PubMed 30046013.